The following is an entry in ClinVar:

ClinVar aggregate classification (germline): Uncertain significance (1 of 4 stars; one submission).

Conditions:
Gorlin syndrome. Also called: Basal cell nevus syndrome; Nevoid Basal Cell Carcinoma Syndrome. Identifiers: Orphanet 377, MedGen C0004779, MONDO:0007187.

Submission:

Labcorp Genetics (formerly Invitae), Labcorp
Classification: Uncertain significance for Gorlin syndrome. Last evaluated: 2025-01-12. Review status: criteria provided, single submitter. Criteria: Invitae Variant Classification Sherloc (09022015). Collection method: clinical testing. Allele origin: germline.
Comment: This sequence change affects codon 1150 of the PTCH1 mRNA. It is a 'silent' change, meaning that it does not change the encoded amino acid sequence of the PTCH1 protein. It affects a nucleotide within the consensus splice site. This variant is not present in population databases (gnomAD no frequency). This variant has not been reported in the literature in individuals affected with PTCH1-related conditions. Algorithms developed to predict the effect of sequence changes on RNA splicing suggest that this variant may disrupt the consensus splice site. In summary, the available evidence is currently insufficient to determine the role of this variant in disease. Therefore, it has been classified as a Variant of Uncertain Significance.

NM_000264.5(PTCH1):c.3450G>A (p.Arg1150=)

Gene: PTCH1 (patched 1; minus strand). Cytogenetic location: 9q22.32.
Variant type: single nucleotide variant.
Coding change: c.3450G>A on transcript NM_000264.5 (MANE Select); coding-DNA position 3450, G replaced by A.
Protein change: p.Arg1150=; no amino-acid change (arginine 1150 retained).
Molecular consequence: synonymous variant. On other transcripts: non-coding transcript variant (1).
Genome position (GRCh38, 1-based): chr9:95,449,940, C>T on the plus strand (G>A on the coding strand, the complement: PTCH1 is on the minus strand). VCF-style: chr9-95449940-C-T. GRCh37 (hg19) VCF-style: chr9-98212222-C-T.
Other names: c.3252G>A, p.Arg1084= (NM_001083602.3); c.3447G>A, p.Arg1149= (NM_001083603.3); c.2997G>A, p.Arg999= (NM_001083604.3, NM_001083605.3, NM_001083606.3 and 1 more transcripts); c.3294G>A, p.Arg1098= (NM_001354918.2).
Identifiers: ClinVar variation 3693968 (VCV003693968.2).